The following is an entry in ClinVar:

NM_144508.5(KNL1):c.5929T>C (p.Cys1977Arg)

Gene: KNL1 (kinetochore scaffold 1; plus strand). Cytogenetic location: 15q15.1.
Variant type: single nucleotide variant.
Coding change: c.5929T>C on transcript NM_144508.5 (MANE Select); coding-DNA position 5929, T replaced by C.
Protein change: p.Cys1977Arg; replaces cysteine 1977 with arginine.
Molecular consequence: missense variant.
Genome position (GRCh38, 1-based): chr15:40,645,695, T>C. VCF-style: chr15-40645695-T-C. GRCh37 (hg19) VCF-style: chr15-40937893-T-C.
Other names: c.6007T>C, p.Cys2003Arg (NM_170589.5); short protein forms C1977R, C2003R.
Identifiers: ClinVar variation 1205137 (VCV001205137.3), dbSNP rs745910616, ClinGen allele CA7483538.

ClinVar aggregate classification (germline): Uncertain significance (1 of 4 stars; one submission).

Allele frequency attached by ClinVar (database versions not stated): gnomAD 0.00002; gnomAD exomes 0.00002 and 0.00004; ExAC 0.00003; TOPMed 0.00006.
gnomAD v4.1: 30 of 1,610,316 alleles (0.0019%); highest among the groups gnomAD compares: Admixed American, 0.02%; no homozygotes.

Submission:

GeneDx
Classification: Uncertain significance. Last evaluated: 2020-10-21. Review status: criteria provided, single submitter. Criteria: GeneDx Variant Classification Process June 2021. Collection method: clinical testing. Allele origin: germline. Affected: yes.
Comment: In silico analysis supports that this missense variant does not alter protein structure/function; Has not been previously published as pathogenic or benign to our knowledge